The following is an entry in ClinVar:

NM_002691.4(POLD1):c.2573del (p.Glu858fs)

Gene: POLD1 (DNA polymerase delta 1, catalytic subunit; plus strand). Cytogenetic location: 19q13.33.
Variant type: Deletion.
Coding change: c.2573del on transcript NM_002691.4 (MANE Select); coding-DNA position 2573, one base deleted (A; older notation c.2573delA).
Protein change: p.Glu858fs; shifts the reading frame from glutamic acid 858.
Molecular consequence: frameshift variant. On other transcripts: non-coding transcript variant (1).
Genome position (GRCh38, 1-based): chr19:50,415,446, A deleted. VCF-style (leftmost placement, unchanged base first): chr19-50415445-GA-G. GRCh37 (hg19) VCF-style: chr19-50918702-GA-G.
Other names: c.2573del, p.Glu858fs (NM_001256849.1, NM_001438212.1, NM_001438213.1); c.2651del, p.Glu884fs (NM_001308632.1); c.2501del, p.Glu834fs (NM_001438210.1, NM_001438211.1); short protein forms E834fs, E858fs, E884fs.
Identifiers: ClinVar variation 4669202 (VCV004669202.1).
Genomic context (GRCh38, chr19:50,415,445, plus strand): 5'-CAGCCTGGCCCTCAGTGCCTTTTGGTGACGCTGTGCGGCCCGCTCTCCTACAGAGACCCT[GA>G]GGGCGCGGTGGCTCACGCACAGGACGTCATCTCGGACCTGCTGTGCAACCGCATCGATAT-3'

ClinVar aggregate classification (germline): Uncertain significance (1 of 4 stars; one submission).

Conditions:
Hereditary cancer-predisposing syndrome. Also called: Neoplastic Syndromes, Hereditary; Tumor predisposition; Hereditary Cancer Syndrome; Hereditary neoplastic syndrome. Identifiers: Orphanet 140162, MedGen C0027672, MeSH D009386, MONDO:0015356.

Submission:

Ambry Genetics
Classification: Uncertain significance for Hereditary cancer-predisposing syndrome. Last evaluated: 2025-11-10. Review status: criteria provided, single submitter. Criteria: Ambry Variant Classification Scheme 2023. Collection method: clinical testing. Allele origin: germline.
Comment: The c.2573delA variant, located in coding exon 20 of the POLD1 gene, results from a deletion of one nucleotide at nucleotide position 2573, causing a translational frameshift with a predicted alternate stop codon (p.E858Gfs*30). This alteration is expected to result in protein truncation or nonsense-mediated mRNA decay. However, loss of function has not been established as a mechanism of disease. The evidence for this gene-disease relationship is limited; therefore, the clinical significance of this alteration is unclear.